The following is an entry in ClinVar:

NM_001875.5(CPS1):c.1139T>C (p.Val380Ala)

Gene: CPS1 (carbamoyl-phosphate synthase 1; plus strand). Cytogenetic location: 2q34.
Variant type: single nucleotide variant.
Coding change: c.1139T>C on transcript NM_001875.5 (MANE Select); coding-DNA position 1139, T replaced by C.
Protein change: p.Val380Ala; replaces valine 380 with alanine.
Molecular consequence: missense variant. On other transcripts: non-coding transcript variant (1).
Genome position (GRCh38, 1-based): chr2:210,592,931, T>C. VCF-style: chr2-210592931-T-C. GRCh37 (hg19) VCF-style: chr2-211457655-T-C.
Other names: c.1139T>C, p.Val380Ala (NM_001122633.3, NM_001369257.1); c.1172T>C, p.Val391Ala (NM_001369256.1); short protein forms V380A, V391A.
Identifiers: ClinVar variation 1063483 (VCV001063483.6), dbSNP rs2106113219, ClinGen allele CA350430900.

ClinVar aggregate classification (germline): Uncertain significance (1 of 4 stars; one submission).

Conditions:
Congenital hyperammonemia, type I. Also called: Carbamoyl phosphate synthetase I deficiency disease; CPS I DEFICIENCY; Carbamoyl phosphate synthetase 1 deficiency; Hyperammonemia due to carbamoyl phosphate synthetase 1 deficiency; CPS 1 deficiency; Carbamyl phosphate synthetase (CPS) deficiency. Identifiers: Orphanet 147, MedGen C4082171, MONDO:0009376, OMIM 237300.

Submission:

Labcorp Genetics (formerly Invitae), Labcorp
Classification: Uncertain significance for Congenital hyperammonemia, type I. Last evaluated: 2022-01-14. Review status: criteria provided, single submitter. Criteria: Invitae Variant Classification Sherloc (09022015). Collection method: clinical testing. Allele origin: germline.
Comment: This sequence change replaces valine, which is neutral and non-polar, with alanine, which is neutral and non-polar, at codon 380 of the CPS1 protein (p.Val380Ala). This variant is not present in population databases (gnomAD no frequency). This variant has not been reported in the literature in individuals affected with CPS1-related conditions. ClinVar contains an entry for this variant (Variation ID: 1063483). Algorithms developed to predict the effect of missense changes on protein structure and function (SIFT, PolyPhen-2, Align-GVGD) all suggest that this variant is likely to be tolerated. In summary, the available evidence is currently insufficient to determine the role of this variant in disease. Therefore, it has been classified as a Variant of Uncertain Significance.